The following is an entry in ClinVar:

ClinVar aggregate classification (germline): Uncertain significance (1 of 4 stars; one submission).

Conditions:
Cholestanol storage disease (CTX). Also called: Cerebrotendinous Xanthomatosis; CEREBRAL CHOLESTERINOSIS; CTX: Cerebrotendinous xanthomatosis. Identifiers: Orphanet 909, MedGen C0238052, MONDO:0008948, OMIM 213700.

Allele frequency attached by ClinVar (database versions not stated): gnomAD exomes below 0.00001; ExAC 0.00001.
gnomAD v4.1: 3 of 1,609,344 alleles (0.00019%); highest among the groups gnomAD compares: Non-Finnish European, 0.00025%; no homozygotes.

Submission:

Labcorp Genetics (formerly Invitae), Labcorp
Classification: Uncertain significance for Cholestanol storage disease. Last evaluated: 2021-09-01. Review status: criteria provided, single submitter. Criteria: Invitae Variant Classification Sherloc (09022015). Collection method: clinical testing. Allele origin: germline.
Comment: This sequence change replaces valine with alanine at codon 337 of the CYP27A1 protein (p.Val337Ala). The valine residue is highly conserved and there is a small physicochemical difference between valine and alanine. This variant is present in population databases (rs759622995, ExAC 0.002%). This variant has not been reported in the literature in individuals affected with CYP27A1-related conditions. Advanced modeling of protein sequence and biophysical properties (such as structural, functional, and spatial information, amino acid conservation, physicochemical variation, residue mobility, and thermodynamic stability) performed at Invitae indicates that this missense variant is expected to disrupt CYP27A1 protein function. In summary, the available evidence is currently insufficient to determine the role of this variant in disease. Therefore, it has been classified as a Variant of Uncertain Significance.

NM_000784.4(CYP27A1):c.1010T>C (p.Val337Ala)

Gene: CYP27A1 (cytochrome P450 family 27 subfamily A member 1; plus strand). Cytogenetic location: 2q35.
Variant type: single nucleotide variant.
Coding change: c.1010T>C on transcript NM_000784.4 (MANE Select); coding-DNA position 1010, T replaced by C.
Protein change: p.Val337Ala; replaces valine 337 with alanine.
Molecular consequence: missense variant.
Genome position (GRCh38, 1-based): chr2:218,813,089, T>C. VCF-style: chr2-218813089-T-C. GRCh37 (hg19) VCF-style: chr2-219677812-T-C.
Other names: short protein forms V337A.
Identifiers: ClinVar variation 1492961 (VCV001492961.5), dbSNP rs759622995, ClinGen allele CA2112769.
Genomic context (GRCh38, chr2:218,813,089, plus strand): 5'-GTGGACAGCTCAGTCCTCGGGAGGCCATGGGCAGCCTGCCTGAGCTGCTCATGGCTGGAG[T>C]GGACACGGTGCGTGAAGGGGGAGGGTGAGACCAGGGGCCCCCAGCTCCCAACCTGAACCA-3'
Protein context (NP_000775.1, residues 327-347): GSLPELLMAG[Val337Ala]DTTSNTLTWA